The following is an entry in ClinVar:

ClinVar aggregate classification (germline): Uncertain significance. Review status: criteria provided, multiple submitters, no conflicts (2 of 4 stars). 6 submissions from 6 submitters: Uncertain significance (6). Last evaluated 2026-04-20.

Conditions:
Thoracic aortic aneurysm or dissection.
Aortic aneurysm, familial thoracic 4 (AAT4). Also called: AORTIC ANEURYSM/AORTIC DISSECTION AND PATENT DUCTUS ARTERIOSUS. Identifiers: MedGen C1851504, MONDO:0007568, OMIM 132900.
Familial thoracic aortic aneurysm and aortic dissection (TAAD). Also called: Thoracic aortic aneurysms and dissections. Identifiers: Orphanet 91387, MedGen C4707243, MONDO:0019625.

Allele frequency attached by ClinVar (database versions not stated): TOPMed 0.00001; gnomAD exomes below 0.00001.
gnomAD v4.1: 4 of 1,611,232 alleles (0.00025%); highest among the groups gnomAD compares: African/African-American, 0.0013%; no homozygotes.

Submissions (6):

Ambry Genetics
Classification: Uncertain significance for Familial thoracic aortic aneurysm and aortic dissection. Last evaluated: 2026-04-20. Review status: criteria provided, single submitter. Criteria: Ambry Variant Classification Scheme 2023. Collection method: clinical testing. Allele origin: germline.
Comment: The p.R1777C variant (also known as c.5329C>T), located in coding exon 37 of the MYH11 gene, results from a C to T substitution at nucleotide position 5329. The arginine at codon 1777 is replaced by cysteine, an amino acid with highly dissimilar properties. This amino acid position is conserved. In addition, this alteration is predicted to be deleterious by in silico analysis. Based on the available evidence, the clinical significance of this variant remains unclear.

Color Diagnostics, LLC DBA Color Health
Classification: Uncertain significance for Familial thoracic aortic aneurysm and aortic dissection. Last evaluated: 2025-12-08. Review status: criteria provided, single submitter. Criteria: ACMG Guidelines, 2015. Collection method: clinical testing. Allele origin: germline.
Comment: This missense variant replaces arginine with cysteine at codon 1784 of the MYH11 protein. Computational prediction suggests that this variant may have deleterious impact on protein structure and function. To our knowledge, functional studies have not been reported for this variant. This variant has not been reported in individuals affected with MYH11-related disorders in the literature. This variant has not been identified in the general population by the Genome Aggregation Database (gnomAD). The available evidence is insufficient to determine the role of this variant in disease conclusively. Therefore, this variant is classified as a Variant of Uncertain Significance.

Labcorp Genetics (formerly Invitae), Labcorp
Classification: Uncertain significance for Aortic aneurysm, familial thoracic 4. Last evaluated: 2025-10-04. Review status: criteria provided, single submitter. Criteria: Invitae Variant Classification Sherloc (09022015). Collection method: clinical testing. Allele origin: germline.
Comment: This sequence change replaces arginine, which is basic and polar, with cysteine, which is neutral and slightly polar, at codon 1784 of the MYH11 protein (p.Arg1784Cys). This variant is not present in population databases (gnomAD no frequency). This variant has not been reported in the literature in individuals affected with MYH11-related conditions. ClinVar contains an entry for this variant (Variation ID: 1315848). Invitae Evidence Modeling of protein sequence and biophysical properties (such as structural, functional, and spatial information, amino acid conservation, physicochemical variation, residue mobility, and thermodynamic stability) has been performed for this missense variant. However, the output from this modeling did not meet the statistical confidence thresholds required to predict the impact of this variant on MYH11 protein function. In summary, the available evidence is currently insufficient to determine the role of this variant in disease. Therefore, it has been classified as a Variant of Uncertain Significance.

NHS Central & South Genomic Laboratory Hub
Classification: Uncertain significance for Thoracic aortic aneurysm or dissection. Last evaluated: 2025-04-09. Review status: criteria provided, single submitter. Criteria: ACMG Guidelines, 2015. Collection method: clinical testing. Allele origin: germline. Affected: yes.

All of Us Research Program, National Institutes of Health
Classification: Uncertain significance for Familial thoracic aortic aneurysm and aortic dissection. Last evaluated: 2023-06-08. Review status: criteria provided, single submitter. Criteria: ACMG Guidelines, 2015. Collection method: clinical testing. Allele origin: germline. Inheritance: Autosomal dominant inheritance. Observed: 1 variant allele, 1 heterozygote.
Comment: This missense variant replaces arginine with cysteine at codon 1784 of the MYH11 protein. Computational prediction suggests that this variant may have deleterious impact on protein structure and function (internally defined REVEL score threshold >= 0.7, PMID: 27666373). To our knowledge, functional studies have not been reported for this variant. This variant has not been reported in individuals affected with MYH11-related disorders in the literature. This variant has not been identified in the general population by the Genome Aggregation Database (gnomAD). The available evidence is insufficient to determine the role of this variant in disease conclusively. Therefore, this variant is classified as a Variant of Uncertain Significance.

This study involves interpretation of variants in research participants for the purpose of population health screening. Participant phenotype was not available at the time of variant classification. Additional details can be found in publication PMID: 35346344, PMCID: PMC8962531

GeneDx
Classification: Uncertain significance. Last evaluated: 2019-10-03. Review status: criteria provided, single submitter. Criteria: GeneDx Variant Classification Process June 2021. Collection method: clinical testing. Allele origin: germline. Affected: yes.
Comment: Has not been previously published as pathogenic or benign to our knowledge; In silico analysis, which includes protein predictors and evolutionary conservation, supports a deleterious effect

NM_002474.3(MYH11):c.5329C>T (p.Arg1777Cys)

Genes: MYH11 (myosin heavy chain 11; minus strand), NDE1 (nudE neurodevelopment protein 1; plus strand). Cytogenetic location: 16p13.11.
Variant type: single nucleotide variant.
Coding change: c.5329C>T on transcript NM_002474.3 (MANE Select); coding-DNA position 5329, C replaced by T.
Protein change: p.Arg1777Cys; replaces arginine 1777 with cysteine.
Molecular consequence: missense variant. On other transcripts: intron variant (2).
Genome position (GRCh38, 1-based): chr16:15,717,315, G>A on the plus strand (C>T on the coding strand, the complement: MYH11 is on the minus strand). VCF-style: chr16-15717315-G-A. GRCh37 (hg19) VCF-style: chr16-15811172-G-A.
Other names: c.5350C>T, p.Arg1784Cys (NM_001040113.2, NM_001040114.2); c.5329C>T, p.Arg1777Cys (NM_022844.3); c.948-6876G>A (NM_001143979.2, NM_017668.3); short protein forms R1777C, R1784C.
Identifiers: ClinVar variation 1315848 (VCV001315848.7), dbSNP rs1441546016, ClinGen allele CA394849255.
Genomic context (GRCh38, chr16:15,717,315, plus strand): 5'-GCTCCTTGTTCTGCCGCTCGAGCTGCTGCCGGGCACTCTCATTCTTCTGGGCCGTGCTGC[G>A]CTCTGTGGCCAGCTCGTTGCTGAGCTGCTCGGCCTGGGGAGGAGAGTGAAGGCCATGAGG-3'
Protein context (NP_002465.1, residues 1767-1787): EQLSNELATE[Arg1777Cys]STAQKNESAR